The following is an entry in ClinVar:

NM_138713.4(NFAT5):c.3023G>A (p.Gly1008Glu)

Gene: NFAT5 (nuclear factor of activated T cells 5; plus strand). Cytogenetic location: 16q22.1.
Variant type: single nucleotide variant.
Coding change: c.3023G>A on transcript NM_138713.4 (MANE Select); coding-DNA position 3023, G replaced by A.
Protein change: p.Gly1008Glu; replaces glycine 1008 with glutamic acid.
Molecular consequence: missense variant.
Genome position (GRCh38, 1-based): chr16:69,692,848, G>A. VCF-style: chr16-69692848-G-A. GRCh37 (hg19) VCF-style: chr16-69726751-G-A.
Other names: c.3020G>A, p.Gly1007Glu (NM_001113178.3); c.2348G>A, p.Gly783Glu (NM_001367709.1); c.2969G>A, p.Gly990Glu (NM_006599.4); c.2741G>A, p.Gly914Glu (NM_138714.4, NM_173214.3, NM_173215.3); short protein forms G1007E, G914E, G1008E, G783E, G990E.
Identifiers: ClinVar variation 2124264 (VCV002124264.4), dbSNP rs2544240338, ClinGen allele CA396512070.

ClinVar aggregate classification (germline): Uncertain significance (1 of 4 stars; one submission).

Conditions:
Immunodeficiency. Identifiers: MedGen C0021051, MONDO:0021094, HP:0002721.

Submission:

Labcorp Genetics (formerly Invitae), Labcorp
Classification: Uncertain significance for Immunodeficiency. Last evaluated: 2022-04-10. Review status: criteria provided, single submitter. Criteria: Invitae Variant Classification Sherloc (09022015). Collection method: clinical testing. Allele origin: germline.
Comment: In summary, the available evidence is currently insufficient to determine the role of this variant in disease. Therefore, it has been classified as a Variant of Uncertain Significance. Algorithms developed to predict the effect of missense changes on protein structure and function (SIFT, PolyPhen-2, Align-GVGD) all suggest that this variant is likely to be tolerated. This variant has not been reported in the literature in individuals affected with NFAT5-related conditions. This variant is not present in population databases (gnomAD no frequency). This sequence change replaces glycine, which is neutral and non-polar, with glutamic acid, which is acidic and polar, at codon 914 of the NFAT5 protein (p.Gly914Glu).